The following is an entry in ClinVar:

NM_004370.6(COL12A1):c.2457C>A (p.Asp819Glu)

Gene: COL12A1 (collagen type XII alpha 1 chain; minus strand). Cytogenetic location: 6q13.
Variant type: single nucleotide variant.
Coding change: c.2457C>A on transcript NM_004370.6 (MANE Select); coding-DNA position 2457, C replaced by A.
Protein change: p.Asp819Glu; replaces aspartic acid 819 with glutamic acid.
Molecular consequence: missense variant. On other transcripts: intron variant (3).
Genome position (GRCh38, 1-based): chr6:75,175,291, G>T on the plus strand (C>A on the coding strand, the complement: COL12A1 is on the minus strand). VCF-style: chr6-75175291-G-T. GRCh37 (hg19) VCF-style: chr6-75885007-G-T.
Other names: c.2457C>A, p.Asp819Glu (NM_001424113.1, NM_001424114.1); c.74-22809C>A (NM_001424116.1, NM_080645.3); c.2437+2372C>A (NM_001424115.1); short protein forms D819E.
Identifiers: ClinVar variation 2950859 (VCV002950859.3), dbSNP rs2533518642, ClinGen allele CA364762612.

ClinVar aggregate classification (germline): Uncertain significance (1 of 4 stars; one submission).

Conditions:
Ullrich congenital muscular dystrophy 2 (UCMD2). Identifiers: Orphanet 75840, MedGen C4225314, MONDO:0014654, OMIM 616470.
Bethlem myopathy 2 (BTHLM2). Identifiers: Orphanet 536516, Orphanet 610, MedGen C4225313, MONDO:0034022, OMIM 616471.

Submission:

Labcorp Genetics (formerly Invitae), Labcorp
Classification: Uncertain significance for Bethlem myopathy 2; Ullrich congenital muscular dystrophy 2. Last evaluated: 2023-08-10. Review status: criteria provided, single submitter. Criteria: Invitae Variant Classification Sherloc (09022015). Collection method: clinical testing. Allele origin: germline.
Comment: In summary, the available evidence is currently insufficient to determine the role of this variant in disease. Therefore, it has been classified as a Variant of Uncertain Significance. Advanced modeling of protein sequence and biophysical properties (such as structural, functional, and spatial information, amino acid conservation, physicochemical variation, residue mobility, and thermodynamic stability) performed at Invitae indicates that this missense variant is not expected to disrupt COL12A1 protein function. This variant has not been reported in the literature in individuals affected with COL12A1-related conditions. This variant is not present in population databases (gnomAD no frequency). This sequence change replaces aspartic acid, which is acidic and polar, with glutamic acid, which is acidic and polar, at codon 819 of the COL12A1 protein (p.Asp819Glu).